The following is an entry in ClinVar:

ClinVar aggregate classification (germline): Uncertain significance (1 of 4 stars; one submission).

Conditions:
Autosomal dominant Parkinson disease 8. Also called: LRRK2-Related Parkinson Disease; Parkinson disease 8; Parkinson disease 8, susceptibility to. Identifiers: Orphanet 411602, MedGen C1846862, MONDO:0011764, OMIM 607060.

Allele frequency attached by ClinVar (database versions not stated): ExAC 0.00001; gnomAD exomes below 0.00001.
gnomAD v4.1: 3 of 1,611,486 alleles (0.00019%); highest among the groups gnomAD compares: East Asian, 0.0022%; no homozygotes.

Submission:

Labcorp Genetics (formerly Invitae), Labcorp
Classification: Uncertain significance for Autosomal dominant Parkinson disease 8. Last evaluated: 2024-04-16. Review status: criteria provided, single submitter. Criteria: Invitae Variant Classification Sherloc (09022015). Collection method: clinical testing. Allele origin: germline.
Comment: This sequence change creates a premature translational stop signal (p.Gln2462*) in the LRRK2 gene. It is expected to result in an absent or disrupted protein product. However, the current clinical and genetic evidence is not sufficient to establish whether loss-of-function variants in LRRK2 cause disease. This variant is present in population databases (rs765894452, gnomAD 0.003%). This variant has not been reported in the literature in individuals affected with LRRK2-related conditions. ClinVar contains an entry for this variant (Variation ID: 533776). Algorithms developed to predict the effect of sequence changes on RNA splicing suggest that this variant may disrupt the consensus splice site. In summary, the available evidence is currently insufficient to determine the role of this variant in disease. Therefore, it has been classified as a Variant of Uncertain Significance.

NM_198578.4(LRRK2):c.7384C>T (p.Gln2462Ter)

Gene: LRRK2 (leucine rich repeat kinase 2; plus strand). Cytogenetic location: 12q12.
Variant type: single nucleotide variant.
Coding change: c.7384C>T on transcript NM_198578.4 (MANE Select); coding-DNA position 7384, C replaced by T.
Protein change: p.Gln2462Ter; replaces glutamine 2462 with a stop codon.
Molecular consequence: nonsense.
Genome position (GRCh38, 1-based): chr12:40,365,044, C>T. VCF-style: chr12-40365044-C-T. GRCh37 (hg19) VCF-style: chr12-40758846-C-T.
Other names: short protein forms Q2462*.
Identifiers: ClinVar variation 533776 (VCV000533776.6), dbSNP rs765894452, ClinGen allele CA6514908.